The following is an entry in ClinVar:

NM_022124.6(CDH23):c.2500C>T (p.Arg834Cys)

Gene: CDH23 (cadherin related 23; plus strand). Cytogenetic location: 10q22.1.
Variant type: single nucleotide variant.
Coding change: c.2500C>T on transcript NM_022124.6 (MANE Select); coding-DNA position 2500, C replaced by T.
Protein change: p.Arg834Cys; replaces arginine 834 with cysteine.
Molecular consequence: missense variant.
Genome position (GRCh38, 1-based): chr10:71,702,124, C>T. VCF-style: chr10-71702124-C-T. GRCh37 (hg19) VCF-style: chr10-73461881-C-T.
Other names: c.2500C>T, p.Arg834Cys (NM_001171930.2, NM_001171931.2); short protein forms R834C.
Identifiers: ClinVar variation 179700 (VCV000179700.13), dbSNP rs372387390, ClinGen allele CA184954.
Genomic context (GRCh38, chr10:71,702,124, plus strand): 5'-GTGTACAGCATCCAGCCACCCAACAAGTTCTACAGCCTCAACAGCACCACGGGCAAGATC[C>T]GCACCACCCACGCCATGCTGGACCGGGAGAACCCCGACCCCCATGAGGCCGAGCTGATGC-3'
Protein context (NP_071407.4, residues 824-844): YSLNSTTGKI[Arg834Cys]TTHAMLDREN

ClinVar aggregate classification (germline): Uncertain significance. Review status: criteria provided, multiple submitters, no conflicts (2 of 4 stars). 4 submissions from 4 submitters: Uncertain significance (3). 1 of the submissions does not count toward it. Last evaluated 2026-01-12.

Conditions:
Usher syndrome type 1 (USH1). Also called: RETINITIS PIGMENTOSA AND CONGENITAL DEAFNESS. Identifiers: Orphanet 231169, Orphanet 886, MedGen C1568247, MONDO:0010168, OMIM 276900.

Allele frequency attached by ClinVar (database versions not stated): ExAC 0.00001; gnomAD exomes 0.00001 and 0.00005; TOPMed 0.00003; gnomAD 0.00004; ESP Exome Variant Server 0.00016.

Submissions (4):

Labcorp Genetics (formerly Invitae), Labcorp
Classification: Uncertain significance. Last evaluated: 2026-01-12. Review status: criteria provided, single submitter. Criteria: Invitae Variant Classification Sherloc (09022015). Collection method: clinical testing. Allele origin: germline.
Comment: This sequence change replaces arginine, which is basic and polar, with cysteine, which is neutral and slightly polar, at codon 834 of the CDH23 protein (p.Arg834Cys). This variant is present in population databases (rs372387390, gnomAD 0.007%). This variant has not been reported in the literature in individuals affected with CDH23-related conditions. ClinVar contains an entry for this variant (Variation ID: 179700). Invitae Evidence Modeling of protein sequence and biophysical properties (such as structural, functional, and spatial information, amino acid conservation, physicochemical variation, residue mobility, and thermodynamic stability) has been performed for this missense variant. However, the output from this modeling did not meet the statistical confidence thresholds required to predict the impact of this variant on CDH23 protein function. In summary, the available evidence is currently insufficient to determine the role of this variant in disease. Therefore, it has been classified as a Variant of Uncertain Significance.

GeneDx
Classification: Uncertain significance. Last evaluated: 2024-01-19. Review status: criteria provided, single submitter. Criteria: GeneDx Variant Classification Process June 2021. Collection method: clinical testing. Allele origin: germline. Affected: yes.
Comment: Not observed at significant frequency in large population cohorts (gnomAD); In silico analysis supports that this missense variant has a deleterious effect on protein structure/function; Has not been previously published as pathogenic or benign to our knowledge

Laboratory for Molecular Medicine, Mass General Brigham Personalized Medicine
Classification: Uncertain significance. Last evaluated: 2014-05-14. Review status: criteria provided, single submitter. Criteria: LMM Criteria. Collection method: clinical testing. Allele origin: germline. Observed: 1 variant allele.
Comment: The Arg834Cys variant in CDH23 has not been previously reported in individuals w ith hearing loss, but has been identified in 0.023% (2/8538) of European America n chromosomes by the NHLBI Exome Sequencing Project (u/EVS/; dbSNP rs372387390). Although this variant has been seen in the general p opulation, its frequency is not high enough to rule out a pathogenic role. Compu tational prediction tools and conservation analyses suggest that the Arg834Cys v ariant may impact the protein, though this information is not predictive enough to determine pathogenicity. In summary, the clinical significance of the Arg834C ys variant is uncertain.

Natera, Inc.
Classification: Uncertain significance for Usher syndrome type 1. Last evaluated: 2019-10-28. Review status: no assertion criteria provided. Collection method: clinical testing. Allele origin: germline. Not counted in ClinVar's aggregate classification.